The following is an entry in ClinVar:

NM_001374623.1(PNPLA1):c.736C>T (p.Arg246Ter)

Gene: PNPLA1 (patatin like domain 1, omega-hydroxyceramide transacylase; plus strand). Cytogenetic location: 6p21.31.
Variant type: single nucleotide variant.
Coding change: c.736C>T on transcript NM_001374623.1 (MANE Select); coding-DNA position 736, C replaced by T.
Protein change: p.Arg246Ter; replaces arginine 246 with a stop codon.
Molecular consequence: nonsense.
Genome position (GRCh38, 1-based): chr6:36,295,385, C>T. VCF-style: chr6-36295385-C-T. GRCh37 (hg19) VCF-style: chr6-36263162-C-T.
Other names: c.478C>T, p.Arg160Ter (NM_001145716.2); c.736C>T, p.Arg246Ter (NM_001145717.1); c.451C>T, p.Arg151Ter (NM_173676.2); short protein forms R151*, R160*, R246*.
Identifiers: ClinVar variation 2445879 (VCV002445879.3), dbSNP rs777268917, ClinGen allele CA3777835.

ClinVar aggregate classification (germline): Likely pathogenic. Review status: criteria provided, single submitter (1 of 4 stars). 2 submissions from 2 submitters: Likely pathogenic (1). 1 of the submissions does not count toward it. Last evaluated 2023-02-16.

Conditions:
Autosomal recessive congenital ichthyosis 10 (ARCI10). Identifiers: Orphanet 79394, MedGen C3554355, MONDO:0014011, OMIM 615024.
Lamellar ichthyosis. Identifiers: Orphanet 313, MedGen C5848247, MONDO:0017778.

Allele frequency attached by ClinVar (database versions not stated): TOPMed below 0.00001; ExAC 0.00001; gnomAD 0.00001; gnomAD exomes 0.00001.
gnomAD v4.1: 17 of 1,614,024 alleles (0.0011%); highest among the groups gnomAD compares: African/African-American, 0.0013%; no homozygotes.

Submissions (2):

Women's Health and Genetics/Laboratory Corporation of America, LabCorp
Classification: Likely pathogenic for Lamellar ichthyosis. Last evaluated: 2023-02-16. Review status: criteria provided, single submitter. Criteria: LabCorp Variant Classification Summary - May 2015. Collection method: clinical testing. Allele origin: germline.
Comment: Variant summary: PNPLA1 c.736C>T (p.Arg246X) results in a premature termination codon, predicted to cause a truncation of the encoded protein or absence of the protein due to nonsense mediated decay, which are commonly known mechanisms for disease. Truncations downstream of this position have been associated with Icthyosis in HGMD. The variant allele was found at a frequency of 1.2e-05 in 251478 control chromosomes. To our knowledge, no occurrence of c.736C>T in individuals affected with Lamellar Ichthyosis and no experimental evidence demonstrating its impact on protein function have been reported. No clinical diagnostic laboratories have submitted clinical-significance assessments for this variant to ClinVar after 2014. Based on the evidence outlined above, the variant was classified as likely pathogenic.

Narges Medical Genetic and Prenatal Diagnosis Lab
Classification: Pathogenic for Autosomal recessive congenital ichthyosis 10. Review status: no assertion criteria provided. Collection method: clinical testing. Allele origin: germline. Affected: yes. Observed: 1 homozygote. Not counted in ClinVar's aggregate classification.